The following is an entry in ClinVar:

ClinVar aggregate classification (germline): Uncertain significance (1 of 4 stars; one submission).

Submission:

Labcorp Genetics (formerly Invitae), Labcorp
Classification: Uncertain significance. Last evaluated: 2023-11-20. Review status: criteria provided, single submitter. Criteria: Invitae Variant Classification Sherloc (09022015). Collection method: clinical testing. Allele origin: germline.
Comment: This sequence change replaces histidine, which is basic and polar, with arginine, which is basic and polar, at codon 769 of the SMARCA2 protein (p.His769Arg). This variant is not present in population databases (gnomAD no frequency). This variant has not been reported in the literature in individuals affected with SMARCA2-related conditions. Advanced modeling of protein sequence and biophysical properties (such as structural, functional, and spatial information, amino acid conservation, physicochemical variation, residue mobility, and thermodynamic stability) performed at Invitae indicates that this missense variant is not expected to disrupt SMARCA2 protein function with a negative predictive value of 80%. In summary, the available evidence is currently insufficient to determine the role of this variant in disease. Therefore, it has been classified as a Variant of Uncertain Significance.

NM_003070.5(SMARCA2):c.2306A>G (p.His769Arg)

Gene: SMARCA2 (SWI/SNF related BAF chromatin remodeling complex subunit ATPase 2; plus strand). Cytogenetic location: 9p24.3.
Variant type: single nucleotide variant.
Coding change: c.2306A>G on transcript NM_003070.5 (MANE Select); coding-DNA position 2306, A replaced by G.
Protein change: p.His769Arg; replaces histidine 769 with arginine.
Molecular consequence: missense variant.
Genome position (GRCh38, 1-based): chr9:2,081,953, A>G. VCF-style: chr9-2081953-A-G. GRCh37 (hg19) VCF-style: chr9-2081953-A-G.
Other names: c.2306A>G, p.His769Arg (NM_001289396.2, NM_001289397.2, NM_139045.4); short protein forms H769R.
Identifiers: ClinVar variation 2696347 (VCV002696347.3), dbSNP rs878954495, ClinGen allele CA187932578.
Genomic context (GRCh38, chr9:2,081,953, plus strand): 5'-ATGAAATGGGGCTTGGAAAGACCATACAGACCATTGCACTCATCACTTATCTGATGGAGC[A>G]CAAAAGACTCAATGGCCCCTATCTCATCATTGTTCCCCTTTCGTAAGTAAAGTCATTTAT-3'
Protein context (NP_003061.3, residues 759-779): TIALITYLME[His769Arg]KRLNGPYLII